The following is an entry in ClinVar:

ClinVar aggregate classification (germline): Pathogenic (1 of 4 stars; one submission).

Conditions:
Fanconi anemia (FA). Also called: Fanconi's anemia. Identifiers: Orphanet 84, MedGen C0015625, MeSH D005199, MONDO:0019391.

Submission:

Labcorp Genetics (formerly Invitae), Labcorp
Classification: Pathogenic for Fanconi anemia. Last evaluated: 2025-10-08. Review status: criteria provided, single submitter. Criteria: Invitae Variant Classification Sherloc (09022015). Collection method: clinical testing. Allele origin: germline.
Comment: This sequence change creates a premature translational stop signal (p.Ile1257Metfs*17) in the FANCI gene. It is expected to result in an absent or disrupted protein product. Loss-of-function variants in FANCI are known to be pathogenic (PMID: 17452773, 17460694). This variant is not present in population databases (gnomAD no frequency). This variant has not been reported in the literature in individuals affected with FANCI-related conditions. For these reasons, this variant has been classified as Pathogenic.

Literature cited by the submitters: PubMed 17452773; PubMed 17460694.

NM_001113378.2(FANCI):c.3771del (p.Ile1257fs)

Gene: FANCI (FA complementation group I; plus strand). Cytogenetic location: 15q26.1.
Variant type: Deletion.
Coding change: c.3771del on transcript NM_001113378.2 (MANE Select); coding-DNA position 3771, one base deleted (A; older notation c.3771delA).
Protein change: p.Ile1257fs; shifts the reading frame from isoleucine 1257.
Molecular consequence: frameshift variant.
Genome position (GRCh38, 1-based): chr15:89,314,662, A deleted. VCF-style (leftmost placement, unchanged base first): chr15-89314661-TA-T. GRCh37 (hg19) VCF-style: chr15-89857892-TA-T.
Other names: c.3492del, p.Ile1164fs (NM_001376910.1); c.3771del, p.Ile1257fs (NM_001376911.1); c.3591del, p.Ile1197fs (NM_018193.3); short protein forms I1197fs, I1257fs, I1164fs.
Identifiers: ClinVar variation 4780580 (VCV004780580.1).